The following is an entry in ClinVar:

ClinVar aggregate classification (germline): Pathogenic/Likely pathogenic. Review status: criteria provided, multiple submitters, no conflicts (2 of 4 stars). 5 submissions from 5 submitters: Pathogenic (2); Likely pathogenic (3). Last evaluated 2025-06-13.

Conditions:
Hereditary nonpolyposis colorectal neoplasms. Identifiers: MedGen C0009405, MeSH D003123.
Lynch syndrome 4 (LYNCH4). Also called: Colorectal cancer, hereditary nonpolyposis, type 4; Hereditary non-polyposis colorectal cancer, type 4. Identifiers: Orphanet 144, MedGen C1838333, MONDO:0013699, OMIM 614337. Disease mechanism: loss of function.
Lynch syndrome. Identifiers: Orphanet 144, MedGen C4552100, MONDO:0005835. Disease mechanism: loss of function.
Hereditary cancer-predisposing syndrome. Also called: Hereditary neoplastic syndrome; Neoplastic Syndromes, Hereditary; Tumor predisposition; Hereditary Cancer Syndrome. Identifiers: Orphanet 140162, MedGen C0027672, MeSH D009386, MONDO:0015356.

Submissions (5):

Ambry Genetics
Classification: Pathogenic for Hereditary cancer-predisposing syndrome. Last evaluated: 2025-06-13. Review status: criteria provided, single submitter. Criteria: Ambry Variant Classification Scheme 2023. Collection method: clinical testing. Allele origin: germline.
Comment: The c.2533delC pathogenic mutation, located in coding exon 15 of the PMS2 gene, results from a deletion of one nucleotide at nucleotide position 2533, causing a translational frameshift with a predicted alternate stop codon (p.H845Mfs*6). Premature stop codons are typically deleterious in nature; however, this stop codon occurs at the 3' terminus of PMS2, is not expected to trigger nonsense-mediated mRNA decay, and removes only the last 13 amino acids of the protein. However, structural analysis suggests this alteration would disrupt the zinc binding motif, which is required for in vivo MMR activity, and the MLH1 interface of the exonuclease domain (Kosinski J et al. J. Mol. Biol. 2008 Oct;382:610-27; Fukui K et al. J. Biol. Chem. 2008 May;283:12136-45; Gueneau E et al. Nat. Struct. Mol. Biol. 2013 Apr;20:461-8). This variant is considered to be rare based on population cohorts in the Genome Aggregation Database (gnomAD). As such, this alteration is interpreted as a disease-causing mutation.

Labcorp Genetics (formerly Invitae), Labcorp
Classification: Pathogenic for Hereditary nonpolyposis colorectal neoplasms. Last evaluated: 2024-10-06. Review status: criteria provided, single submitter. Criteria: Invitae Variant Classification Sherloc (09022015). Collection method: clinical testing. Allele origin: germline.
Comment: This sequence change creates a premature translational stop signal (p.His845Metfs*6) in the PMS2 gene. While this is not anticipated to result in nonsense mediated decay, it is expected to disrupt the last 18 amino acid(s) of the PMS2 protein. The frequency data for this variant in the population databases (gnomAD) is considered unreliable due to the presence of homologous sequence, such as pseudogenes or paralogs, in the genome. This variant has not been reported in the literature in individuals affected with PMS2-related conditions. ClinVar contains an entry for this variant (Variation ID: 423571). This variant disrupts a region of the PMS2 protein in which other variant(s) (p.846*) have been determined to be pathogenic (internal data). This suggests that this is a clinically significant region of the protein, and that variants that disrupt it are likely to be disease-causing. For these reasons, this variant has been classified as Pathogenic.

GeneDx
Classification: Likely pathogenic. Last evaluated: 2024-08-20. Review status: criteria provided, single submitter. Criteria: GeneDx Variant Classification Process June 2021. Collection method: clinical testing. Allele origin: germline. Affected: yes.
Comment: Frameshift variant predicted to result in abnormal protein length as the last 18 amino acids are replaced with 5 different amino acids, and other similar variants have been reported in HGMD; Disrupts the critical zinc binding conserved motif (CPHGRP) of the endonuclease domain (PMID:18619468); Not observed at significant frequency in large population cohorts (gnomAD); Has not been previously published as pathogenic or benign to our knowledge; This variant is associated with the following publications: (PMID: Fukui2011[Chapter], 18619468)

Myriad Genetics, Inc.
Classification: Likely pathogenic for Lynch syndrome 4. Last evaluated: 2023-09-25. Review status: criteria provided, single submitter. Criteria: Myriad Autosomal Dominant, Autosomal Recessive and X-Linked Classification Criteria (2023). Collection method: clinical testing. Allele origin: unknown.
Comment: This variant is considered likely pathogenic. This variant creates a frameshift predicted to result in premature protein truncation.

Women's Health and Genetics/Laboratory Corporation of America, LabCorp
Classification: Likely pathogenic for Lynch syndrome. Last evaluated: 2018-12-04. Review status: criteria provided, single submitter. Criteria: LabCorp Variant Classification Summary - May 2015. Collection method: clinical testing. Allele origin: germline.
Comment: Variant summary: PMS2 c.2533delC (p.His845MetfsX6) results in a premature termination codon, predicted to cause a truncation of the encoded protein or absence of the protein due to nonsense mediated decay, which are commonly known mechanisms for disease. The variant was absent in 183842 control chromosomes. To our knowledge, no occurrence of c.2533delC in individuals affected with Lynch Syndrome and no experimental evidence demonstrating its impact on protein function have been reported. One clinical diagnostic laboratory has submitted clinical-significance assessments for this variant to ClinVar after 2014 without evidence for independent evaluation. One laboratory classified the variant as likely pathogenic. Based on the evidence outlined above, the variant was classified as likely pathogenic.

Literature cited by the submitters: PubMed 18310077 (cited by Ambry Genetics); PubMed 18619468 (cited by Ambry Genetics); PubMed 23435383 (cited by Ambry Genetics).

NM_000535.7(PMS2):c.2533del (p.His845fs)

Gene: PMS2 (PMS1 homolog 2, mismatch repair system component; minus strand). Cytogenetic location: 7p22.1.
Variant type: Deletion.
Coding change: c.2533del on transcript NM_000535.7 (MANE Select); coding-DNA position 2533, one base deleted (C; older notation c.2533delC).
Protein change: p.His845fs; shifts the reading frame from histidine 845.
Molecular consequence: frameshift variant. On other transcripts: non-coding transcript variant (1).
Genome position (GRCh38, 1-based): chr7:5,973,455, G deleted on the plus strand (C on the coding strand, the reverse complement: PMS2 is on the minus strand); the first of 4 consecutive G bases (chr7:5,973,455-5,973,458); deleting any one gives the same sequence. VCF-style (leftmost placement, unchanged base first): chr7-5973454-TG-T. GRCh37 (hg19) VCF-style: chr7-6013085-TG-T.
Other names: c.2533delC (NM_000535.5); c.2128del, p.His710fs (NM_001322003.2, NM_001322004.2, NM_001322005.2); c.2377del, p.His793fs (NM_001322006.2); c.2215del, p.His739fs (NM_001322007.2, NM_001322008.2); c.2161del, p.His721fs (NM_001322009.2); c.1972del, p.His658fs (NM_001322010.2); c.1600del, p.His534fs (NM_001322011.2, NM_001322012.2); c.1960del, p.His654fs (NM_001322013.2); and 3 more; short protein forms H658fs, H856fs, H721fs, H739fs, H845fs, H742fs, H793fs, H534fs.
Identifiers: ClinVar variation 423571 (VCV000423571.12), dbSNP rs1064796500, ClinGen allele CA16618484.